The following is an entry in ClinVar:

NM_001793.6(CDH3):c.2364C>A (p.Asp788Glu)

Gene: CDH3 (cadherin 3; plus strand). Cytogenetic location: 16q22.1.
Variant type: single nucleotide variant.
Coding change: c.2364C>A on transcript NM_001793.6 (MANE Select); coding-DNA position 2364, C replaced by A.
Protein change: p.Asp788Glu; replaces aspartic acid 788 with glutamic acid.
Molecular consequence: missense variant. On other transcripts: 3 prime UTR variant (1).
Genome position (GRCh38, 1-based): chr16:68,698,274, C>A. VCF-style: chr16-68698274-C-A. GRCh37 (hg19) VCF-style: chr16-68732177-C-A.
Other names: c.*107C>A (NM_001317195.3); c.2199C>A, p.Asp733Glu (NM_001317196.2); short protein forms D733E, D788E.
Identifiers: ClinVar variation 1024577 (VCV001024577.6), dbSNP rs144637479, ClinGen allele CA396456797.

ClinVar aggregate classification (germline): Uncertain significance (1 of 4 stars; one submission).

gnomAD v4.1: 6 of 1,614,250 alleles (0.00037%); highest among the groups gnomAD compares: Non-Finnish European, 0.00051%; no homozygotes.

Submission:

Labcorp Genetics (formerly Invitae), Labcorp
Classification: Uncertain significance. Last evaluated: 2024-10-22. Review status: criteria provided, single submitter. Criteria: Invitae Variant Classification Sherloc (09022015). Collection method: clinical testing. Allele origin: germline.
Comment: This sequence change replaces aspartic acid, which is acidic and polar, with glutamic acid, which is acidic and polar, at codon 788 of the CDH3 protein (p.Asp788Glu). This variant is present in population databases (no rsID available, gnomAD 0.002%). This variant has not been reported in the literature in individuals affected with CDH3-related conditions. ClinVar contains an entry for this variant (Variation ID: 1024577). Invitae Evidence Modeling of protein sequence and biophysical properties (such as structural, functional, and spatial information, amino acid conservation, physicochemical variation, residue mobility, and thermodynamic stability) indicates that this missense variant is not expected to disrupt CDH3 protein function with a negative predictive value of 80%. In summary, the available evidence is currently insufficient to determine the role of this variant in disease. Therefore, it has been classified as a Variant of Uncertain Significance.